The following is an entry in ClinVar:

ClinVar aggregate classification (germline): Uncertain significance. Review status: criteria provided, multiple submitters, no conflicts (2 of 4 stars). 2 submissions from 2 submitters: Uncertain significance (2). Last evaluated 2024-05-13.

Allele frequency attached by ClinVar (database versions not stated): gnomAD 0.00001; gnomAD exomes 0.00001; ExAC 0.00002; TOPMed 0.00002.
gnomAD v4.1: 13 of 1,606,804 alleles (0.00081%); highest among the groups gnomAD compares: South Asian, 0.01%; no homozygotes.

Submissions (2):

Ambry Genetics
Classification: Uncertain significance. Last evaluated: 2024-05-13. Review status: criteria provided, single submitter. Criteria: Ambry Variant Classification Scheme 2023. Collection method: clinical testing. Allele origin: germline.

Labcorp Genetics (formerly Invitae), Labcorp
Classification: Uncertain significance. Last evaluated: 2024-03-07. Review status: criteria provided, single submitter. Criteria: Invitae Variant Classification Sherloc (09022015). Collection method: clinical testing. Allele origin: germline.
Comment: This sequence change replaces threonine, which is neutral and polar, with isoleucine, which is neutral and non-polar, at codon 1074 of the RIMS1 protein (p.Thr1074Ile). This variant is present in population databases (rs779032928, gnomAD 0.01%). This variant has not been reported in the literature in individuals affected with RIMS1-related conditions. ClinVar contains an entry for this variant (Variation ID: 1013904). Algorithms developed to predict the effect of missense changes on protein structure and function output the following: SIFT: "Not Available"; PolyPhen-2: "Benign"; Align-GVGD: "Not Available". The isoleucine amino acid residue is found in multiple mammalian species, which suggests that this missense change does not adversely affect protein function. In summary, the available evidence is currently insufficient to determine the role of this variant in disease. Therefore, it has been classified as a Variant of Uncertain Significance.

NM_014989.7(RIMS1):c.3221C>T (p.Thr1074Ile)

Gene: RIMS1 (regulating synaptic membrane exocytosis 1; plus strand). Cytogenetic location: 6q13.
Variant type: single nucleotide variant.
Coding change: c.3221C>T on transcript NM_014989.7 (MANE Select); coding-DNA position 3221, C replaced by T.
Protein change: p.Thr1074Ile; replaces threonine 1074 with isoleucine.
Molecular consequence: missense variant. On other transcripts: intron variant (62).
Genome position (GRCh38, 1-based): chr6:72,265,416, C>T. VCF-style: chr6-72265416-C-T. GRCh37 (hg19) VCF-style: chr6-72975119-C-T.
Other names: c.1640C>T, p.Thr547Ile (NM_001350436.2); c.1470-544C>T (NM_001350428.2, NM_001350459.2, NM_001350424.2 and 1 more transcripts); c.1467-544C>T (NM_001350437.2, NM_001350430.2, NM_001350421.2 and 1 more transcripts); c.1616+364C>T (NM_001350458.2); c.1539-544C>T (NM_001350433.2, NM_001350446.2, NM_001350442.2 and 8 more transcripts); c.1538+4649C>T (NM_001350431.2); c.1476-544C>T (NM_001350457.2); c.1475+6305C>T (NM_001350460.2, NM_001350426.2, NM_001350429.2 and 1 more transcripts); and 15 more; short protein forms T1074I, T547I.
Identifiers: ClinVar variation 1013904 (VCV001013904.11), dbSNP rs779032928, ClinGen allele CA3886178.